The following is an entry in ClinVar:

ClinVar aggregate classification (germline): Uncertain significance (1 of 4 stars; one submission).

Conditions:
Cardiovascular phenotype. Identifiers: MedGen CN230736.

Submission:

Ambry Genetics
Classification: Uncertain significance for Cardiovascular phenotype. Last evaluated: 2018-05-21. Review status: criteria provided, single submitter. Criteria: Ambry Variant Classification Scheme 2023. Collection method: clinical testing. Allele origin: germline.
Comment: The p.D9350N variant (also known as c.28048G>A), located in coding exon 111 of the TTN gene, results from a G to A substitution at nucleotide position 28048. The aspartic acid at codon 9350 is replaced by asparagine, an amino acid with highly similar properties. This amino acid position is not well conserved in available vertebrate species. In addition, this alteration is predicted to be tolerated by in silico analysis. Since supporting evidence is limited at this time, the clinical significance of this alteration remains unclear.

NM_001267550.2(TTN):c.55243G>A (p.Asp18415Asn)

Genes: TTN (titin; minus strand), TTN-AS1 (TTN antisense RNA 1; plus strand). Cytogenetic location: 2q31.2.
Variant type: single nucleotide variant.
Coding change: c.55243G>A on transcript NM_001267550.2 (MANE Select); coding-DNA position 55243, G replaced by A.
Protein change: p.Asp18415Asn; replaces aspartic acid 18415 with asparagine.
Molecular consequence: missense variant.
Genome position (GRCh38, 1-based): chr2:178,602,028, C>T on the plus strand (G>A on the coding strand, the complement: TTN is on the minus strand). VCF-style: chr2-178602028-C-T. GRCh37 (hg19) VCF-style: chr2-179466755-C-T.
Other names: c.50320G>A, p.Asp16774Asn (NM_001256850.1); c.28048G>A, p.Asp9350Asn (NM_003319.4); c.47539G>A, p.Asp15847Asn (NM_133378.4); c.28423G>A, p.Asp9475Asn (NM_133432.3); c.28624G>A, p.Asp9542Asn (NM_133437.4); short protein forms D16774N, D9350N, D9475N, D9542N, D18415N, D15847N.
Identifiers: ClinVar variation 1796244 (VCV001796244.2), dbSNP rs2470032543, ClinGen allele CA349543421.